The following is an entry in ClinVar:

ClinVar aggregate classification (germline): Uncertain significance. Review status: criteria provided, multiple submitters, no conflicts (2 of 4 stars). 2 submissions from 2 submitters: Uncertain significance (2). Last evaluated 2024-12-14.

Allele frequency attached by ClinVar (database versions not stated): gnomAD exomes 0.00001; ExAC 0.00002; gnomAD 0.00003; TOPMed 0.00004.
gnomAD v4.1: 26 of 1,612,098 alleles (0.0016%); highest among the groups gnomAD compares: Admixed American, 0.0033%; no homozygotes.

Submissions (2):

Women's Health and Genetics/Laboratory Corporation of America, LabCorp
Classification: Uncertain significance. Last evaluated: 2024-12-14. Review status: criteria provided, single submitter. Criteria: LabCorp Variant Classification Summary - May 2015. Collection method: clinical testing. Allele origin: germline.

Labcorp Genetics (formerly Invitae), Labcorp
Classification: Uncertain significance. Last evaluated: 2022-06-30. Review status: criteria provided, single submitter. Criteria: Invitae Variant Classification Sherloc (09022015). Collection method: clinical testing. Allele origin: germline.
Comment: This sequence change falls in intron 17 of the MTTP gene. It does not directly change the encoded amino acid sequence of the MTTP protein. It affects a nucleotide within the consensus splice site. This variant is present in population databases (rs756813877, gnomAD 0.004%). This variant has not been reported in the literature in individuals affected with MTTP-related conditions. Variants that disrupt the consensus splice site are a relatively common cause of aberrant splicing (PMID: 17576681, 9536098). Algorithms developed to predict the effect of sequence changes on RNA splicing suggest that this variant is not likely to affect RNA splicing. In summary, the available evidence is currently insufficient to determine the role of this variant in disease. Therefore, it has been classified as a Variant of Uncertain Significance.

Literature cited by the submitters: PubMed 17576681 (cited by Labcorp Genetics (formerly Invitae), Labcorp); PubMed 9536098 (cited by Labcorp Genetics (formerly Invitae), Labcorp).

NM_001386140.1(MTTP):c.2342+4A>G

Gene: MTTP (microsomal triglyceride transfer protein; plus strand). Cytogenetic location: 4q23.
Variant type: single nucleotide variant.
Coding change: c.2342+4A>G on transcript NM_001386140.1 (MANE Select); 4 bases into the intron after coding-DNA position 2342, A replaced by G.
Molecular consequence: intron variant.
Genome position (GRCh38, 1-based): chr4:99,619,102, A>G. VCF-style: chr4-99619102-A-G. GRCh37 (hg19) VCF-style: chr4-100540259-A-G.
Other names: c.2342+4A>G (NM_000253.4); c.2093+4A>G (NM_001300785.2).
Identifiers: ClinVar variation 2075733 (VCV002075733.2), dbSNP rs756813877, ClinGen allele CA3022336.
Genomic context (GRCh38, chr4:99,619,102, plus strand): 5'-AGGTGCAATGGAGTTTAGCTTGTGGTATCGTGAGTCTAAAACCCGAGTGAAAAATAGGTA[A>G]GTGTTTATGCATTATACATTTATGAATTACATATAAGACTATATACAGAGAACTTCCGAA-3'